The following is an entry in ClinVar:

NM_001080477.4(TENM3):c.2849A>T (p.Asp950Val)

Gene: TENM3 (teneurin transmembrane protein 3; plus strand). Cytogenetic location: 4q35.1.
Variant type: single nucleotide variant.
Coding change: c.2849A>T on transcript NM_001080477.4 (MANE Select); coding-DNA position 2849, A replaced by T.
Protein change: p.Asp950Val; replaces aspartic acid 950 with valine.
Molecular consequence: missense variant.
Genome position (GRCh38, 1-based): chr4:182,731,021, A>T. VCF-style: chr4-182731021-A-T. GRCh37 (hg19) VCF-style: chr4-183652174-A-T.
Other names: c.2060A>T, p.Asp687Val (NM_001415960.1); c.2033A>T, p.Asp678Val (NM_001415961.1, NM_001415962.1, NM_001415963.1 and 1 more transcripts); c.2570A>T, p.Asp857Val (NM_001415966.1, NM_001415967.1, NM_001415976.1 and 1 more transcripts); c.2849A>T, p.Asp950Val (NM_001415968.1, NM_001415969.1, NM_001415970.1 and 4 more transcripts); short protein forms D857V, D678V, D687V, D950V.
Identifiers: ClinVar variation 2090096 (VCV002090096.4), dbSNP rs562164411, ClinGen allele CA3148069.

ClinVar aggregate classification (germline): Uncertain significance (1 of 4 stars; one submission).

Allele frequency attached by ClinVar (database versions not stated): ExAC 0.00001; gnomAD 0.00001; 1000 Genomes Project 30x 0.00016; 1000 Genomes Project 0.00020.
gnomAD v4.1: 1 of 1,613,940 alleles (0.000062%); highest among the groups gnomAD compares: African/African-American, 0.0013%; no homozygotes.

Submission:

Labcorp Genetics (formerly Invitae), Labcorp
Classification: Uncertain significance. Last evaluated: 2025-01-06. Review status: criteria provided, single submitter. Criteria: Invitae Variant Classification Sherloc (09022015). Collection method: clinical testing. Allele origin: germline.
Comment: This sequence change replaces aspartic acid, which is acidic and polar, with valine, which is neutral and non-polar, at codon 950 of the TENM3 protein (p.Asp950Val). This variant is not present in population databases (gnomAD no frequency). This variant has not been reported in the literature in individuals affected with TENM3-related conditions. ClinVar contains an entry for this variant (Variation ID: 2090096). Experimental studies and prediction algorithms are not available or were not evaluated, and the functional significance of this variant is currently unknown. In summary, the available evidence is currently insufficient to determine the role of this variant in disease. Therefore, it has been classified as a Variant of Uncertain Significance.